The following is an entry in ClinVar:

NM_198578.4(LRRK2):c.3263T>C (p.Phe1088Ser)

Gene: LRRK2 (leucine rich repeat kinase 2; plus strand). Cytogenetic location: 12q12.
Variant type: single nucleotide variant.
Coding change: c.3263T>C on transcript NM_198578.4 (MANE Select); coding-DNA position 3263, T replaced by C.
Protein change: p.Phe1088Ser; replaces phenylalanine 1088 with serine.
Molecular consequence: missense variant.
Genome position (GRCh38, 1-based): chr12:40,298,409, T>C. VCF-style: chr12-40298409-T-C. GRCh37 (hg19) VCF-style: chr12-40692211-T-C.
Other names: short protein forms F1088S.
Identifiers: ClinVar variation 3229604 (VCV003229604.1), dbSNP rs2499746462, ClinGen allele CA384414876.

ClinVar aggregate classification (germline): Uncertain significance (1 of 4 stars; one submission).

Conditions:
Inborn genetic diseases. Identifiers: MedGen C0950123, MeSH D030342.

Submission:

Ambry Genetics
Classification: Uncertain significance for Inborn genetic diseases. Last evaluated: 2024-01-06. Review status: criteria provided, single submitter. Criteria: Ambry Variant Classification Scheme 2023. Collection method: clinical testing. Allele origin: germline.
Comment: The p.F1088S variant (also known as c.3263T>C), located in coding exon 24 of the LRRK2 gene, results from a T to C substitution at nucleotide position 3263. The phenylalanine at codon 1088 is replaced by serine, an amino acid with highly dissimilar properties. This amino acid position is conserved. In addition, the in silico prediction for this alteration is inconclusive. Since supporting evidence is limited at this time, the clinical significance of this alteration remains unclear.